The following is an entry in ClinVar:

NM_005105.5(RBM8A):c.268del (p.His90fs)

Genes: RBM8A (RNA binding motif protein 8A; minus strand), LOC126805851 (MED14-independent group 3 enhancer GRCh37_chr1:145507474-145508673; plus strand). Cytogenetic location: 1q21.1.
Variant type: Deletion.
Coding change: c.268del on transcript NM_005105.5 (MANE Select); coding-DNA position 268, one base deleted (C; older notation c.268delC).
Protein change: p.His90fs; shifts the reading frame from histidine 90.
Molecular consequence: frameshift variant.
Genome position (GRCh38, 1-based): chr1:145,926,556, G deleted on the plus strand (C on the coding strand, the reverse complement: RBM8A is on the minus strand). VCF-style (leftmost placement, unchanged base first): chr1-145926555-TG-T. GRCh37 (hg19) VCF-style: chr1-145508536-AC-A.
Other names: short protein forms H90fs.
Identifiers: ClinVar variation 5001285 (VCV005001285.1).

ClinVar aggregate classification (germline): Likely pathogenic (1 of 4 stars; one submission).

Conditions:
RBM8A-related disorder. Also called: RBM8A-related condition.

Submission:

PreventionGenetics, part of Exact Sciences
Classification: Likely pathogenic for RBM8A-related condition. Last evaluated: 2025-04-29. Review status: criteria provided, single submitter. Criteria: ACMG Guidelines, 2015. Collection method: clinical testing. Allele origin: germline.
Comment: The RBM8A c.268delC variant is predicted to result in a frameshift and premature protein termination (p.His90Thrfs*24). To our knowledge, this variant has not been reported in the literature or in a large population database (gnomAD), indicating this variant is rare. Frameshift variants in RBM8A are expected to be pathogenic. This variant is interpreted as likely pathogenic.